The following is an entry in ClinVar:

NM_000193.4(SHH):c.1201_1215dup (p.Asp405_Arg406insSerGlyGlyGlyAsp)

Gene: SHH (sonic hedgehog signaling molecule; minus strand). Cytogenetic location: 7q36.3.
Variant type: Duplication.
Coding change: c.1201_1215dup on transcript NM_000193.4 (MANE Select); coding-DNA positions 1201 to 1215, 15 bases duplicated (AGCGGCGGCGGGGAC).
Protein change: p.Asp405_Arg406insSerGlyGlyGlyAsp.
Molecular consequence: inframe insertion. On other transcripts: intron variant (1).
Genome position (GRCh38, 1-based): chr7:155,803,074-155,803,088, GTCCCCGCCGCCGCT duplicated on the plus strand (AGCGGCGGCGGGGAC on the coding strand, the reverse complement: SHH is on the minus strand); duplicating any 15 consecutive bases within chr7:155,803,074-155,803,099 gives the same sequence; the c. name uses the placement nearest the transcript's 3' end. VCF-style (leftmost placement, unchanged base first): chr7-155803073-G-GGTCCCCGCCGCCGCT. GRCh37 (hg19) VCF-style: chr7-155595767-G-GGTCCCCGCCGCCGCT.
Other names: c.302-2843_302-2829dup (NM_001310462.2).
Identifiers: ClinVar variation 2063176 (VCV002063176.4), dbSNP rs1387194833, ClinGen allele CA579079640.

ClinVar aggregate classification (germline): Uncertain significance (1 of 4 stars; one submission).

Conditions:
Holoprosencephaly 3 (HPE3). Identifiers: Orphanet 2162, MedGen C1840529, MONDO:0007733, OMIM 142945.

Submission:

Labcorp Genetics (formerly Invitae), Labcorp
Classification: Uncertain significance for Holoprosencephaly 3. Last evaluated: 2022-02-25. Review status: criteria provided, single submitter. Criteria: Invitae Variant Classification Sherloc (09022015). Collection method: clinical testing. Allele origin: germline.
Comment: This variant has not been reported in the literature in individuals affected with SHH-related conditions. In summary, the available evidence is currently insufficient to determine the role of this variant in disease. Therefore, it has been classified as a Variant of Uncertain Significance. This variant is present in population databases (no rsID available, gnomAD 0.1%). This variant, c.1201_1215dup, results in the insertion of 5 amino acid(s) of the SHH protein (p.Ser401_Asp405dup), but otherwise preserves the integrity of the reading frame.